The following is an entry in ClinVar:

ClinVar aggregate classification (germline): Uncertain significance (1 of 4 stars; one submission).

Conditions:
UBR4-related disorder. Also called: UBR4-related condition.

gnomAD v4.1: 7 of 1,613,922 alleles (0.00043%); highest among the groups gnomAD compares: African/African-American, 0.0027%; no homozygotes.

Submission:

PreventionGenetics, part of Exact Sciences
Classification: Uncertain significance for UBR4-related condition. Last evaluated: 2026-07-30. Review status: criteria provided, single submitter. Criteria: ACMG Guidelines, 2015. Collection method: clinical testing. Allele origin: germline.
Comment: The UBR4 c.8971G>A variant is predicted to result in the amino acid substitution p.Val2991Ile. To our knowledge, this variant has not been reported in the literature. This variant is reported in 0.0040% of alleles in individuals of African descent in gnomAD. At this time, the clinical significance of this variant is uncertain due to the absence of conclusive functional and genetic evidence.

NM_020765.3(UBR4):c.8971G>A (p.Val2991Ile)

Gene: UBR4 (ubiquitin protein ligase E3 component n-recognin 4; minus strand). Cytogenetic location: 1p36.13.
Variant type: single nucleotide variant.
Coding change: c.8971G>A on transcript NM_020765.3 (MANE Select); coding-DNA position 8971, G replaced by A.
Protein change: p.Val2991Ile; replaces valine 2991 with isoleucine.
Molecular consequence: missense variant.
Genome position (GRCh38, 1-based): chr1:19,129,010, C>T on the plus strand (G>A on the coding strand, the complement: UBR4 is on the minus strand). VCF-style: chr1-19129010-C-T. GRCh37 (hg19) VCF-style: chr1-19455504-C-T.
Other names: short protein forms V2991I.
Identifiers: ClinVar variation 4984261 (VCV004984261.1).
Genomic context (GRCh38, chr1:19,129,010, plus strand): 5'-ACAGAGATCCAGGTGAGCTAAGAGATACCTGCATGTATGGGATGGCCCGGACACCGCCAA[C>T]GTTTCGTAATTGAGGCAGGGTCTGCAGTAATCTCTCCAACAGCATTAGACGGACCATGTG-3'
Protein context (NP_065816.2, residues 2981-3001): LLQTLPQLRN[Val2991Ile]GGVRAIPYMQ